The following is an entry in ClinVar:

ClinVar aggregate classification (germline): Uncertain significance (1 of 4 stars; one submission).

Conditions:
Hereditary cancer-predisposing syndrome. Also called: Neoplastic Syndromes, Hereditary; Tumor predisposition; Hereditary Cancer Syndrome; Hereditary neoplastic syndrome. Identifiers: Orphanet 140162, MedGen C0027672, MeSH D009386, MONDO:0015356.

Submission:

Ambry Genetics
Classification: Uncertain significance for Hereditary cancer-predisposing syndrome. Last evaluated: 2017-09-07. Review status: criteria provided, single submitter. Criteria: Ambry Variant Classification Scheme 2023. Collection method: clinical testing. Allele origin: germline.
Comment: The p.E675G variant (also known as c.2024A>G), located in coding exon 12 of the PMS2 gene, results from an A to G substitution at nucleotide position 2024. The glutamic acid at codon 675 is replaced by glycine, an amino acid with similar properties. This amino acid position is highly conserved through mammals but not in all available vertebrate species. In addition, the in silico prediction for this alteration is inconclusive. Since supporting evidence is limited at this time, the clinical significance of this alteration remains unclear.

NM_000535.7(PMS2):c.2024A>G (p.Glu675Gly)

Gene: PMS2 (PMS1 homolog 2, mismatch repair system component; minus strand). Cytogenetic location: 7p22.1.
Variant type: single nucleotide variant.
Coding change: c.2024A>G on transcript NM_000535.7 (MANE Select); coding-DNA position 2024, A replaced by G.
Protein change: p.Glu675Gly; replaces glutamic acid 675 with glycine.
Molecular consequence: missense variant. On other transcripts: non-coding transcript variant (1).
Genome position (GRCh38, 1-based): chr7:5,982,974, T>C on the plus strand (A>G on the coding strand, the complement: PMS2 is on the minus strand). VCF-style: chr7-5982974-T-C. GRCh37 (hg19) VCF-style: chr7-6022605-T-C.
Other names: c.1715A>G, p.Glu572Gly (NM_001406875.1, NM_001406877.1, NM_001406878.1 and 5 more transcripts); c.1706A>G, p.Glu569Gly (NM_001406876.1, NM_001406883.1, NM_001322007.2 and 1 more transcripts); c.1700A>G, p.Glu567Gly (NM_001406884.1); c.1688A>G, p.Glu563Gly (NM_001406885.1); c.1658A>G, p.Glu553Gly (NM_001406886.1); c.1619A>G, p.Glu540Gly (NM_001406887.1, NM_001406888.1, NM_001406889.1 and 15 more transcripts); c.1559A>G, p.Glu520Gly (NM_001406900.1); c.1550A>G, p.Glu517Gly (NM_001406901.1, NM_001406902.1); and 13 more; short protein forms E484G, E619G, E364G, E553G, E569G, E572G, E609G, E623G.
Identifiers: ClinVar variation 1784625 (VCV001784625.2), dbSNP rs2128704651, ClinGen allele CA366738162.